The following is an entry in ClinVar:

ClinVar aggregate classification (germline): Pathogenic (1 of 4 stars; one submission).

Conditions:
Argininosuccinate lyase deficiency. Also called: ARGININOSUCCINIC ACID LYASE DEFICIENCY; ASL DEFICIENCY; Argininosuccinic aciduria. Identifiers: Orphanet 23, MedGen C0268547, MONDO:0008815, OMIM 207900, HP:0025630.

gnomAD v4.1: 1 of 1,613,836 alleles (0.000062%); highest among the groups gnomAD compares: East Asian, 0.0022%; no homozygotes.

Submission:

Labcorp Genetics (formerly Invitae), Labcorp
Classification: Pathogenic for Argininosuccinate lyase deficiency. Last evaluated: 2024-03-10. Review status: criteria provided, single submitter. Criteria: Invitae Variant Classification Sherloc (09022015). Collection method: clinical testing. Allele origin: germline.
Comment: This sequence change affects a donor splice site in intron 7 of the ASL gene. RNA analysis indicates that disruption of this splice site induces altered splicing and likely results in a shortened protein product. This variant is not present in population databases (gnomAD no frequency). Disruption of this splice site has been observed in individual(s) with argininosuccinate lyase deficiency (PMID: 17326097). In at least one individual the data is consistent with being in trans (on the opposite chromosome) from a pathogenic variant. Studies have shown that disruption of this splice site results in skipping of skipping of exon 7 (also known as exon 6), but is expected to preserve the integrity of the reading-frame (PMID: 17326097). For these reasons, this variant has been classified as Pathogenic.

Literature cited by the submitters: PubMed 17326097.

NM_000048.4(ASL):c.524+1G>A

Gene: ASL (argininosuccinate lyase; plus strand). Cytogenetic location: 7q11.21.
Variant type: single nucleotide variant.
Coding change: c.524+1G>A on transcript NM_000048.4 (MANE Select); the canonical splice donor site of the intron after coding-DNA position 524, G replaced by A.
Molecular consequence: splice donor variant.
Genome position (GRCh38, 1-based): chr7:66,086,663, G>A. VCF-style: chr7-66086663-G-A. GRCh37 (hg19) VCF-style: chr7-65551650-G-A.
Other names: c.524+1G>A (NM_001024943.2, NM_001024944.2, NM_001024946.2).
Identifiers: ClinVar variation 3668676 (VCV003668676.2).